The following is an entry in ClinVar:

NM_004360.5(CDH1):c.689T>A (p.Leu230His)

Gene: CDH1 (cadherin 1; plus strand). Cytogenetic location: 16q22.1.
Variant type: single nucleotide variant.
Coding change: c.689T>A on transcript NM_004360.5 (MANE Select); coding-DNA position 689, T replaced by A.
Protein change: p.Leu230His; replaces leucine 230 with histidine.
Molecular consequence: missense variant. On other transcripts: 5 prime UTR variant (2).
Genome position (GRCh38, 1-based): chr16:68,810,198, T>A. VCF-style: chr16-68810198-T-A. GRCh37 (hg19) VCF-style: chr16-68844101-T-A.
Other names: c.689T>A, p.Leu230His (NM_001317184.2); c.-927T>A (NM_001317185.2); c.-1131T>A (NM_001317186.2); short protein forms L230H.
Identifiers: ClinVar variation 2814547 (VCV002814547.3), dbSNP rs2152130987, ClinGen allele CA396458358.

ClinVar aggregate classification (germline): Uncertain significance (1 of 4 stars; one submission).

Conditions:
Hereditary diffuse gastric adenocarcinoma (HDGC). Also called: DIFFUSE GASTRIC AND LOBULAR BREAST CANCER SYNDROME. Identifiers: Orphanet 26106, MedGen C1708349, MONDO:0007648, OMIM 137215.

Submission:

Labcorp Genetics (formerly Invitae), Labcorp
Classification: Uncertain significance for Hereditary diffuse gastric adenocarcinoma. Last evaluated: 2023-01-06. Review status: criteria provided, single submitter. Criteria: Invitae Variant Classification Sherloc (09022015). Collection method: clinical testing. Allele origin: germline.
Comment: In summary, the available evidence is currently insufficient to determine the role of this variant in disease. Therefore, it has been classified as a Variant of Uncertain Significance. Algorithms developed to predict the effect of missense changes on protein structure and function (SIFT, PolyPhen-2, Align-GVGD) all suggest that this variant is likely to be disruptive. This variant is not present in population databases (gnomAD no frequency). This sequence change replaces leucine, which is neutral and non-polar, with histidine, which is basic and polar, at codon 230 of the CDH1 protein (p.Leu230His). This variant has not been reported in the literature in individuals affected with CDH1-related conditions.